The following is an entry in ClinVar:

NM_004360.5(CDH1):c.127del (p.Arg43fs)

Gene: CDH1 (cadherin 1; plus strand). Cytogenetic location: 16q22.1.
Variant type: Deletion.
Coding change: c.127del on transcript NM_004360.5 (MANE Select); coding-DNA position 127, one base deleted (C; older notation c.127delC).
Protein change: p.Arg43fs; shifts the reading frame from arginine 43.
Molecular consequence: frameshift variant. On other transcripts: 5 prime UTR variant (2).
Genome position (GRCh38, 1-based): chr16:68,738,375, C deleted; the last of 4 consecutive C bases (chr16:68,738,372-68,738,375); deleting any one gives the same sequence. VCF-style (leftmost placement, unchanged base first): chr16-68738371-GC-G. GRCh37 (hg19) VCF-style: chr16-68772274-GC-G.
Other names: c.127del, p.Arg43fs (NM_001317184.2); c.-1489del (NM_001317185.2); c.-1693del (NM_001317186.2); short protein forms R43fs.
Identifiers: ClinVar variation 4690228 (VCV004690228.1).
Genomic context (GRCh38, chr16:68,738,371, plus strand): 5'-CTGCCAGGAGCCGGAGCCCTGCCACCCTGGCTTTGACGCCGAGAGCTACACGTTCACGGT[GC>G]CCCGGCGCCACCTGGAGAGAGGCCGCGTCCTGGGCAGAGGTGAGGGCGCGCTGCCGGTGT-3'

ClinVar aggregate classification (germline): Likely pathogenic (1 of 4 stars; one submission).

Conditions:
Hereditary diffuse gastric adenocarcinoma (HDGC). Also called: DIFFUSE GASTRIC AND LOBULAR BREAST CANCER SYNDROME. Identifiers: Orphanet 26106, MedGen C1708349, MONDO:0007648, OMIM 137215.

Submission:

EVOGEN
Classification: Likely pathogenic for Hereditary diffuse gastric adenocarcinoma. Last evaluated: 2024-08-26. Review status: criteria provided, single submitter. Criteria: ACMG Guidelines, 2015. Collection method: clinical testing. Allele origin: germline. Affected: yes.
Comment: PVS1: Null variant (frame-shift) in gene CDH1, predicted to cause NMD. Loss-of-function is a known mechanism of disease (gene has 601 reported pathogenic LOF variants). The exon contains 29 pathogenic variants. The truncated region contains 616 pathogenic variants. PM2: Variant not found in gnomAD genomes, good gnomAD genomes coverage = 31.4. GnomAD exomes allele count = 2 is less than 5 for AD gene CDH1, good gnomAD exomes coverage = 29.7. Moscow City Health Department financial support